The following is an entry in ClinVar:

ClinVar aggregate classification (germline): Likely benign (1 of 4 stars; one submission).

Allele frequency attached by ClinVar (database versions not stated): ExAC 0.00001; gnomAD 0.00001; gnomAD exomes 0.00001; TOPMed 0.00001.
gnomAD v4.1: 22 of 1,611,696 alleles (0.0014%); highest among the groups gnomAD compares: Middle Eastern, 0.016%; no homozygotes.

Submission:

CeGaT Center for Human Genetics Tuebingen
Classification: Likely benign. Last evaluated: 2023-06-01. Review status: criteria provided, single submitter. Criteria: CeGaT Center For Human Genetics Tuebingen Variant Classification Criteria Version 2. Collection method: clinical testing. Allele origin: germline. Affected: yes. Observed: 1 variant allele.
Comment: TANC2: BP4, BP7

NM_001394998.1(TANC2):c.3753C>T (p.Gly1251=)

Genes: TANC2 (tetratricopeptide repeat, ankyrin repeat and coiled-coil containing 2; plus strand), LOC105371856 (uncharacterized LOC105371856; minus strand). Cytogenetic location: 17q23.3.
Variant type: single nucleotide variant.
Coding change: c.3753C>T on transcript NM_001394998.1 (MANE Select); coding-DNA position 3753, C replaced by T.
Protein change: p.Gly1251=; no amino-acid change (glycine 1251 retained).
Molecular consequence: synonymous variant.
Genome position (GRCh38, 1-based): chr17:63,411,674, C>T. VCF-style: chr17-63411674-C-T. GRCh37 (hg19) VCF-style: chr17-61489035-C-T.
Other names: c.3531C>T, p.Gly1177= (NM_001411076.1, NM_025185.4).
Identifiers: ClinVar variation 2570998 (VCV002570998.27), dbSNP rs760915681, ClinGen allele CA8698066.
Genomic context (GRCh38, chr17:63,411,674, plus strand): 5'-TGCCACAGACCATGCTGACAAGAATGGCCGTACCCCACTGGATCTGGCAGCTTTCTATGG[C>T]GATGCTGAGGTGGTAAGTACCTTTAAACAAGCCTCAAGAGAGCAGAGAGAGGGGCTATTC-3'
Protein context (NP_001381927.1, residues 1241-1261): RTPLDLAAFY[Gly1251=]DAEVVQFLVD